The following is an entry in ClinVar:

ClinVar aggregate classification (germline): Uncertain significance (1 of 4 stars; one submission).

Allele frequency attached by ClinVar (database versions not stated): gnomAD exomes below 0.00001; TOPMed below 0.00001.
gnomAD v4.1: 4 of 1,025,532 alleles (0.00039%); highest among the groups gnomAD compares: East Asian, 0.04%; no homozygotes.

Submission:

Labcorp Genetics (formerly Invitae), Labcorp
Classification: Uncertain significance. Last evaluated: 2024-11-27. Review status: criteria provided, single submitter. Criteria: Invitae Variant Classification Sherloc (09022015). Collection method: clinical testing. Allele origin: germline.
Comment: This sequence change replaces alanine, which is neutral and non-polar, with glycine, which is neutral and non-polar, at codon 11 of the ADGRA3 protein (p.Ala11Gly). This variant is present in population databases (no rsID available, gnomAD 0.06%). This variant has not been reported in the literature in individuals affected with ADGRA3-related conditions. ClinVar contains an entry for this variant (Variation ID: 2956748). Experimental studies and prediction algorithms are not available or were not evaluated, and the functional significance of this variant is currently unknown. In summary, the available evidence is currently insufficient to determine the role of this variant in disease. Therefore, it has been classified as a Variant of Uncertain Significance.

NM_145290.4(ADGRA3):c.32C>G (p.Ala11Gly)

Gene: ADGRA3 (adhesion G protein-coupled receptor A3; minus strand). Cytogenetic location: 4p15.2.
Variant type: single nucleotide variant.
Coding change: c.32C>G on transcript NM_145290.4 (MANE Select); coding-DNA position 32, C replaced by G.
Protein change: p.Ala11Gly; replaces alanine 11 with glycine.
Molecular consequence: missense variant.
Genome position (GRCh38, 1-based): chr4:22,515,753, G>C on the plus strand (C>G on the coding strand, the complement: ADGRA3 is on the minus strand). VCF-style: chr4-22515753-G-C. GRCh37 (hg19) VCF-style: chr4-22517376-G-C.
Other names: short protein forms A11G.
Identifiers: ClinVar variation 2956748 (VCV002956748.3), dbSNP rs1336498787, ClinGen allele CA356507979.